The following is an entry in ClinVar:

NM_005461.5(MAFB):c.*9C>T

Gene: MAFB (MAF bZIP transcription factor B; minus strand). Cytogenetic location: 20q12.
Variant type: single nucleotide variant.
Coding change: c.*9C>T on transcript NM_005461.5 (MANE Select); 9 bases downstream of the stop codon, C replaced by T.
Molecular consequence: 3 prime UTR variant.
Genome position (GRCh38, 1-based): chr20:40,687,870, G>A on the plus strand (C>T on the coding strand, the complement: MAFB is on the minus strand). VCF-style: chr20-40687870-G-A. GRCh37 (hg19) VCF-style: chr20-39316510-G-A.
Identifiers: ClinVar variation 3052692 (VCV003052692.2), dbSNP rs1328189584, ClinGen allele CA635728672.

ClinVar aggregate classification (germline): Likely benign (0 of 4 stars; one submission).

Conditions:
MAFB-related disorder. Also called: MAFB-related condition.

Allele frequency attached by ClinVar (database versions not stated): TOPMed below 0.00001.
gnomAD v4.1: 9 of 1,607,126 alleles (0.00056%); highest among the groups gnomAD compares: Admixed American, 0.0017%; no homozygotes.

Submission:

PreventionGenetics, part of Exact Sciences
Classification: Likely benign for MAFB-related condition. Last evaluated: 2019-08-20. Review status: no assertion criteria provided. Collection method: clinical testing. Allele origin: germline.
Comment: This variant is classified as likely benign based on ACMG/AMP sequence variant interpretation guidelines (Richards et al. 2015 PMID: 25741868, with internal and published modifications).